The following is an entry in ClinVar:

NM_139058.3(ARX):c.1372G>C (p.Ala458Pro)

Gene: ARX (aristaless related homeobox; minus strand). Cytogenetic location: Xp21.3.
Variant type: single nucleotide variant.
Coding change: c.1372G>C on transcript NM_139058.3 (MANE Select); coding-DNA position 1372, G replaced by C.
Protein change: p.Ala458Pro; replaces alanine 458 with proline.
Molecular consequence: missense variant.
Genome position (GRCh38, 1-based): chrX:25,007,187, C>G on the plus strand (G>C on the coding strand, the complement: ARX is on the minus strand). VCF-style: chrX-25007187-C-G. GRCh37 (hg19) VCF-style: chrX-25025304-C-G.
Other names: short protein forms A458P.
Identifiers: ClinVar variation 1190909 (VCV001190909.2), dbSNP rs755109924, ClinGen allele CA10373809.

ClinVar aggregate classification (germline): Uncertain significance (1 of 4 stars; one submission).

Allele frequency attached by ClinVar (database versions not stated): gnomAD exomes below 0.00001.

Submission:

GeneDx
Classification: Uncertain significance. Last evaluated: 2021-04-12. Review status: criteria provided, single submitter. Criteria: GeneDx Variant Classification Process June 2021. Collection method: clinical testing. Allele origin: germline. Affected: yes.
Comment: In silico analysis supports that this missense variant does not alter protein structure/function; Has not been previously published as pathogenic or benign to our knowledge